The following is an entry in ClinVar:

ClinVar aggregate classification (germline): Uncertain significance. Review status: criteria provided, multiple submitters, no conflicts (2 of 4 stars). 2 submissions from 2 submitters: Uncertain significance (2). Last evaluated 2025-07-23.

Conditions:
Inborn genetic diseases. Identifiers: MedGen C0950123, MeSH D030342.

Allele frequency attached by ClinVar (database versions not stated): gnomAD exomes below 0.00001; gnomAD 0.00002; ExAC 0.00089.
gnomAD v4.1: 5 of 1,547,532 alleles (0.00032%); highest among the groups gnomAD compares: African/African-American, 0.0069%; no homozygotes.

Submissions (2):

Women's Health and Genetics/Laboratory Corporation of America, LabCorp
Classification: Uncertain significance. Last evaluated: 2025-07-23. Review status: criteria provided, single submitter. Criteria: LabCorp Variant Classification Summary - May 2015. Collection method: clinical testing. Allele origin: germline.
Comment: Variant summary: DSPP c.3523A>G (p.Ser1175Gly) results in a non-conservative amino acid change in the encoded protein sequence. Algorithms developed to predict the effect of missense changes on protein structure and function are either unavailable or do not agree on the potential impact of this missense change. The frequency data for this variant in gnomAD is considered unreliable, as metrics indicate poor data quality at this position. To our knowledge, no occurrence of c.3523A>G in individuals affected with Dentinogenesis Imperfecta Type 2 and no experimental evidence demonstrating its impact on protein function have been reported. ClinVar contains an entry for this variant (Variation ID: 2525168). Based on the evidence outlined above, the variant was classified as uncertain significance.

Ambry Genetics
Classification: Uncertain significance for Inborn genetic diseases. Last evaluated: 2025-06-03. Review status: criteria provided, single submitter. Criteria: Ambry Variant Classification Scheme 2023. Collection method: clinical testing. Allele origin: germline.

NM_014208.3(DSPP):c.3523A>G (p.Ser1175Gly)

Genes: DMP1-AS1 (DMP1 and DSPP antisense RNA 1; minus strand), DSPP (dentin sialophosphoprotein; plus strand). Cytogenetic location: 4q22.1.
Variant type: single nucleotide variant.
Coding change: c.3523A>G on transcript NM_014208.3 (MANE Select); coding-DNA position 3523, A replaced by G.
Protein change: p.Ser1175Gly; replaces serine 1175 with glycine.
Molecular consequence: missense variant.
Genome position (GRCh38, 1-based): chr4:87,616,185, A>G. VCF-style: chr4-87616185-A-G. GRCh37 (hg19) VCF-style: chr4-88537337-A-G.
Other names: short protein forms S1175G.
Identifiers: ClinVar variation 2525168 (VCV002525168.4), dbSNP rs761458838, ClinGen allele CA3001767.
Genomic context (GRCh38, chr4:87,616,185, plus strand): 5'-GACAGCAGCGACAGCAGTGACAGCAGCGATAGCAGCGACAGCAGCGACAGCAGCGATAGC[A>G]GTGACAGCAGCAATAGCAGTGATAGCAGCGACAGCAGTGATAGCAGTGACAGCAGCGACA-3'
Protein context (NP_055023.2, residues 1165-1185): SSDSSDSSDS[Ser1175Gly]DSSNSSDSSD